The following is an entry in ClinVar:

ClinVar aggregate classification (germline): Likely benign. Review status: criteria provided, single submitter (1 of 4 stars). 2 submissions from 2 submitters: Likely benign (1). 1 of the submissions does not count toward it. Last evaluated 2023-08-29.

Conditions:
MYRF-related disorder. Also called: MYRF-related disorders; MYRF-related condition.

Allele frequency attached by ClinVar (database versions not stated): gnomAD 0.00004; ExAC 0.00014.
gnomAD v4.1: 105 of 1,611,384 alleles (0.0065%); highest among the groups gnomAD compares: South Asian, 0.11%; 1 homozygote.

Submissions (2):

Blueprint Genetics
Classification: Likely benign. Last evaluated: 2023-08-29. Review status: criteria provided, single submitter. Criteria: ACMG Guidelines, 2015. Collection method: clinical testing. Allele origin: germline.

PreventionGenetics, part of Exact Sciences
Classification: Likely benign for MYRF-related condition. Last evaluated: 2019-05-17. Review status: no assertion criteria provided. Collection method: clinical testing. Allele origin: germline. Not counted in ClinVar's aggregate classification.
Comment: This variant is classified as likely benign based on ACMG/AMP sequence variant interpretation guidelines (Richards et al. 2015 PMID: 25741868, with internal and published modifications).

NM_001127392.3(MYRF):c.3119+8G>A

Gene: MYRF (myelin regulatory factor; plus strand). Cytogenetic location: 11q12.2.
Variant type: single nucleotide variant.
Coding change: c.3119+8G>A on transcript NM_001127392.3 (MANE Select); 8 bases into the intron after coding-DNA position 3119, G replaced by A.
Molecular consequence: intron variant.
Genome position (GRCh38, 1-based): chr11:61,783,608, G>A. VCF-style: chr11-61783608-G-A. GRCh37 (hg19) VCF-style: chr11-61551080-G-A.
Other names: c.2999+8G>A (NM_013279.4).
Identifiers: ClinVar variation 3037349 (VCV003037349.3), dbSNP rs776565204, ClinGen allele CA6038324.